The following is an entry in ClinVar:

NM_000374.5(UROD):c.102G>A (p.Trp34Ter)

Gene: UROD (uroporphyrinogen decarboxylase; plus strand). Cytogenetic location: 1p34.1.
Variant type: single nucleotide variant.
Coding change: c.102G>A on transcript NM_000374.5 (MANE Select); coding-DNA position 102, G replaced by A.
Protein change: p.Trp34Ter; replaces tryptophan 34 with a stop codon.
Molecular consequence: nonsense. On other transcripts: non-coding transcript variant (3).
Genome position (GRCh38, 1-based): chr1:45,012,988, G>A. VCF-style: chr1-45012988-G-A. GRCh37 (hg19) VCF-style: chr1-45478660-G-A.
Other names: short protein forms W34*.
Identifiers: ClinVar variation 3720199 (VCV003720199.2).

ClinVar aggregate classification (germline): Pathogenic (1 of 4 stars; one submission).

Submission:

Labcorp Genetics (formerly Invitae), Labcorp
Classification: Pathogenic. Last evaluated: 2024-06-22. Review status: criteria provided, single submitter. Criteria: Invitae Variant Classification Sherloc (09022015). Collection method: clinical testing. Allele origin: germline.
Comment: This sequence change creates a premature translational stop signal (p.Trp34*) in the UROD gene. It is expected to result in an absent or disrupted protein product. Loss-of-function variants in UROD are known to be pathogenic (PMID: 1634232, 17240319, 19233912, 19419417, 23545314). This variant is not present in population databases (gnomAD no frequency). This variant has not been reported in the literature in individuals affected with UROD-related conditions. For these reasons, this variant has been classified as Pathogenic.

Literature cited by the submitters: PubMed 1634232; PubMed 17240319; PubMed 19233912; PubMed 19419417; PubMed 23545314.